The following is an entry in ClinVar:

NM_000271.5(NPC1):c.1947+12G>T

Gene: NPC1 (NPC intracellular cholesterol transporter 1; minus strand). Cytogenetic location: 18q11.2.
Variant type: single nucleotide variant.
Coding change: c.1947+12G>T on transcript NM_000271.5 (MANE Select); 12 bases into the intron after coding-DNA position 1947, G replaced by T.
Molecular consequence: intron variant.
Genome position (GRCh38, 1-based): chr18:23,544,948, C>A on the plus strand (G>T on the coding strand, the complement: NPC1 is on the minus strand). VCF-style: chr18-23544948-C-A. GRCh37 (hg19) VCF-style: chr18-21124912-C-A.
Identifiers: ClinVar variation 326270 (VCV000326270.14), dbSNP rs886053666, ClinGen allele CA10641148.

ClinVar aggregate classification (germline): Conflicting classifications of pathogenicity. Review status: criteria provided, conflicting classifications (1 of 4 stars). 3 submissions from 3 submitters: Uncertain significance (1); Likely benign (1). 1 of the submissions does not count toward it. Last evaluated 2025-11-29.

Conditions:
NPC1-related disorder. Also called: NPC1-related condition.
Niemann-Pick disease, type C1. Also called: NIEMANN-PICK DISEASE, VARIANT TYPE C1; NEUROVISCERAL STORAGE DISEASE WITH VERTICAL SUPRANUCLEAR OPHTHALMOPLEGIA; NIEMANN-PICK DISEASE WITH CHOLESTEROL ESTERIFICATION BLOCK; NIEMANN-PICK DISEASE WITHOUT SPHINGOMYELINASE DEFICIENCY; NIEMANN-PICK DISEASE, CHRONIC NEURONOPATHIC FORM. Identifiers: Orphanet 646, MedGen C3179455, MONDO:0009757, OMIM 257220.

Allele frequency attached by ClinVar (database versions not stated): gnomAD exomes 0.00004.
gnomAD v4.1: 78 of 1,379,416 alleles (0.0057%); highest among the groups gnomAD compares: Admixed American, 0.012%; 2 homozygotes.

Submissions (3):

Labcorp Genetics (formerly Invitae), Labcorp
Classification: Likely benign for Niemann-Pick disease, type C1. Last evaluated: 2025-11-29. Review status: criteria provided, single submitter. Criteria: Invitae Variant Classification Sherloc (09022015). Collection method: clinical testing. Allele origin: germline.

Illumina Laboratory Services, Illumina
Classification: Uncertain significance for Niemann-Pick disease type C1. Last evaluated: 2018-01-12. Review status: criteria provided, single submitter. Criteria: ICSL Variant Classification Criteria 13 December 2019. Collection method: clinical testing. Allele origin: germline.

PreventionGenetics, part of Exact Sciences
Classification: Likely benign for NPC1-related condition. Last evaluated: 2022-07-12. Review status: no assertion criteria provided. Collection method: clinical testing. Allele origin: germline. Not counted in ClinVar's aggregate classification.
Comment: This variant is classified as likely benign based on ACMG/AMP sequence variant interpretation guidelines (Richards et al. 2015 PMID: 25741868, with internal and published modifications).